The following is an entry in ClinVar:

NM_138409.4(MRAP2):c.104_105del (p.Ser34_Phe35insTer)

Gene: MRAP2 (melanocortin 2 receptor accessory protein 2; plus strand). Cytogenetic location: 6q14.2.
Variant type: Deletion.
Coding change: c.104_105del on transcript NM_138409.4 (MANE Select); coding-DNA positions 104 to 105, 2 bases deleted (TT; older notation c.104_105delTT).
Protein change: p.Ser34_Phe35insTer.
Molecular consequence: nonsense. On other transcripts: 5 prime UTR variant (2).
Genome position (GRCh38, 1-based): chr6:84,055,422-84,055,423, TT deleted; deleting any 2 consecutive bases within chr6:84,055,421-84,055,423 gives the same sequence; the c. name uses the placement nearest the transcript's 3' end. VCF-style (leftmost placement, unchanged base first): chr6-84055420-CTT-C. GRCh37 (hg19) VCF-style: chr6-84765139-CTT-C.
Other names: c.-55_-54del (NM_001346541.2); c.104_105del, p.Ser34_Phe35insTer (NM_001346542.2, NM_001346544.2); c.-156_-155del (NM_001346543.2).
Identifiers: ClinVar variation 4996473 (VCV004996473.1).
Genomic context (GRCh38, chr6:84,055,420, plus strand): 5'-ATCGGCATCTAATTCTGATTACACCTGGGAATATGAATATTATGAGATTGGACCAGTTTC[CTT>C]TGAAGGACTGAAGGCTCATAAATGTAAGTTTTATACAATTCCTCATTGAAAGCATAATTG-3'

ClinVar aggregate classification (germline): Uncertain significance (1 of 4 stars; one submission).

Conditions:
MRAP2-related disorder. Also called: MRAP2-related condition.

Submission:

PreventionGenetics, part of Exact Sciences
Classification: Uncertain significance for MRAP2-related condition. Last evaluated: 2025-12-03. Review status: criteria provided, single submitter. Criteria: ACMG Guidelines, 2015. Collection method: clinical testing. Allele origin: germline.
Comment: The MRAP2 c.104_105delTT variant is predicted to result in premature protein termination (p.Phe35*). To our knowledge, this variant has not been reported in the literature or in a large population database (gnomAD), indicating this variant is rare. Loss of function has not been conclusively established as a mechanism for MRAP2-related disorders. At this time, the clinical significance of this variant is uncertain due to the absence of conclusive functional and genetic evidence.